The following is an entry in ClinVar:

ClinVar aggregate classification (germline): Uncertain significance (1 of 4 stars; one submission).

Conditions:
Developmental and epileptic encephalopathy, 36 (DEE36). Also called: Epileptic encephalopathy, early infantile, 36; ALG13-CDG; Congenital disorder of glycosylation, type Is. Identifiers: Orphanet 324422, MedGen C4317295, MONDO:0010472, OMIM 300884.

Submission:

Labcorp Genetics (formerly Invitae), Labcorp
Classification: Uncertain significance for Developmental and epileptic encephalopathy, 36. Last evaluated: 2024-10-23. Review status: criteria provided, single submitter. Criteria: Invitae Variant Classification Sherloc (09022015). Collection method: clinical testing. Allele origin: germline.
Comment: This variant, c.2338_2340dup, results in the insertion of 1 amino acid(s) of the ALG13 protein (p.Ala780dup), but otherwise preserves the integrity of the reading frame. This variant is present in population databases (no rsID available, gnomAD 0.001%), including at least one homozygous and/or hemizygous individual. This variant has not been reported in the literature in individuals affected with ALG13-related conditions. ClinVar contains an entry for this variant (Variation ID: 659261). Experimental studies and prediction algorithms are not available or were not evaluated, and the functional significance of this variant is currently unknown. In summary, the available evidence is currently insufficient to determine the role of this variant in disease. Therefore, it has been classified as a Variant of Uncertain Significance.

NM_001099922.3(ALG13):c.2650_2652dup (p.Ala884dup)

Gene: ALG13 (ALG13 UDP-N-acetylglucosaminyltransferase subunit; plus strand). Cytogenetic location: Xq23.
Variant type: Duplication.
Coding change: c.2650_2652dup on transcript NM_001099922.3 (MANE Select); coding-DNA positions 2650 to 2652, 3 bases duplicated (GCT; older notation c.2650_2652dupGCT).
Protein change: p.Ala884dup; duplicates alanine 884.
Molecular consequence: inframe insertion. On other transcripts: non-coding transcript variant (1).
Genome position (GRCh38, 1-based): chrX:111,736,834-111,736,836, GCT duplicated; duplicating any 3 consecutive bases within chrX:111,736,833-111,736,836 gives the same sequence; the c. name uses the placement nearest the transcript's 3' end. VCF-style (leftmost placement, unchanged base first): chrX-111736832-A-ATGC. GRCh37 (hg19) VCF-style: chrX-110980060-A-ATGC.
Other names: c.2338_2340dup, p.Ala780dup (NM_001257230.2, NM_001257234.2, NM_001257237.2); c.2416_2418dup, p.Ala806dup (NM_001257231.2); c.2650_2652dup, p.Ala884dup (NM_001324292.2); c.2164_2166dup, p.Ala722dup (NM_001324293.1).
Identifiers: ClinVar variation 659261 (VCV000659261.9), dbSNP rs1276026793, ClinGen allele CA643845876.